The following is an entry in ClinVar:

NM_177965.4(CFAP418):c.556A>G (p.Arg186Gly)

Gene: CFAP418 (cilia and flagella associated protein 418; minus strand). Cytogenetic location: 8q22.1.
Variant type: single nucleotide variant.
Coding change: c.556A>G on transcript NM_177965.4 (MANE Select); coding-DNA position 556, A replaced by G.
Protein change: p.Arg186Gly; replaces arginine 186 with glycine.
Molecular consequence: missense variant.
Genome position (GRCh38, 1-based): chr8:95,247,685, T>C on the plus strand (A>G on the coding strand, the complement: CFAP418 is on the minus strand). VCF-style: chr8-95247685-T-C. GRCh37 (hg19) VCF-style: chr8-96259913-T-C.
Other names: c.460A>G, p.Arg154Gly (NM_001363260.1); c.556A>G (NM_177965.3); short protein forms R154G, R186G.
Identifiers: ClinVar variation 1681116 (VCV001681116.10), dbSNP rs1483148451, ClinGen allele CA371838209.

ClinVar aggregate classification (germline): Uncertain significance. Review status: criteria provided, multiple submitters, no conflicts (2 of 4 stars). 5 submissions from 5 submitters: Uncertain significance (4). 1 of the submissions does not count toward it. Last evaluated 2025-04-28.

Conditions:
CFAP418-related disorder. Also called: CFAP418-related condition.
Retinitis pigmentosa (RP). Identifiers: Orphanet 791, MedGen C0035334, MeSH D012174, MONDO:0019200, OMIM 268000. Inheritance: Autosomal dominant, autosomal recessive and X linked inheritance.
Bardet-biedl syndrome 21. Identifiers: MedGen C4319932, MONDO:0044308, OMIM 617406.
Cone-rod dystrophy 16 (CORD16). Identifiers: MedGen C3281045, MONDO:0013786, OMIM 614500.

Allele frequency attached by ClinVar (database versions not stated): gnomAD 0.00001; gnomAD exomes 0.00001 and 0.00002; TOPMed 0.00002.

Submissions (5):

Labcorp Genetics (formerly Invitae), Labcorp
Classification: Uncertain significance. Last evaluated: 2025-04-28. Review status: criteria provided, single submitter. Criteria: Invitae Variant Classification Sherloc (09022015). Collection method: clinical testing. Allele origin: germline.
Comment: This sequence change replaces arginine, which is basic and polar, with glycine, which is neutral and non-polar, at codon 186 of the C8orf37 protein (p.Arg186Gly). This variant is present in population databases (no rsID available, gnomAD 0.02%). This missense change has been observed in individual(s) with clinical features of retinal dystrophy (internal data). In at least one individual the data is consistent with being in trans (on the opposite chromosome) from a pathogenic variant. ClinVar contains an entry for this variant (Variation ID: 1681116). An algorithm developed to predict the effect of missense changes on protein structure and function (PolyPhen-2) suggests that this variant is likely to be disruptive. In summary, the available evidence is currently insufficient to determine the role of this variant in disease. Therefore, it has been classified as a Variant of Uncertain Significance.

GeneDx
Classification: Uncertain significance. Last evaluated: 2024-10-03. Review status: criteria provided, single submitter. Criteria: GeneDx Variant Classification Process June 2021. Collection method: clinical testing. Allele origin: germline. Affected: yes.
Comment: In silico analysis supports that this missense variant has a deleterious effect on protein structure/function; Has not been previously published as pathogenic or benign to our knowledge

Blueprint Genetics
Classification: Uncertain significance. Last evaluated: 2022-08-02. Review status: criteria provided, single submitter. Criteria: ACMG Guidelines, 2015. Collection method: clinical testing. Allele origin: germline.

Fulgent Genetics
Classification: Uncertain significance for Retinitis pigmentosa; Cone-rod dystrophy 16; Bardet-biedl syndrome 21. Last evaluated: 2021-12-17. Review status: criteria provided, single submitter. Criteria: ACMG Guidelines, 2015. Collection method: clinical testing. Allele origin: unknown.

PreventionGenetics, part of Exact Sciences
Classification: Uncertain significance for CFAP418-related condition. Last evaluated: 2024-07-09. Review status: no assertion criteria provided. Collection method: clinical testing. Allele origin: germline. Not counted in ClinVar's aggregate classification.
Comment: The CFAP418 c.556A>G variant is predicted to result in the amino acid substitution p.Arg186Gly. To our knowledge, this variant has not been reported in the literature. This variant is reported in 0.017% of alleles in individuals of Latino descent in gnomAD. At this time, the clinical significance of this variant is uncertain due to the absence of conclusive functional and genetic evidence.